The following is an entry in ClinVar:

NM_001005242.3(PKP2):c.224-9T>C

Gene: PKP2 (plakophilin 2; minus strand). Cytogenetic location: 12p11.21.
Variant type: single nucleotide variant.
Coding change: c.224-9T>C on transcript NM_001005242.3 (MANE Select); 9 bases into the intron before coding-DNA position 224, T replaced by C.
Molecular consequence: intron variant.
Genome position (GRCh38, 1-based): chr12:32,879,041, A>G on the plus strand (T>C on the coding strand, the complement: PKP2 is on the minus strand). VCF-style: chr12-32879041-A-G. GRCh37 (hg19) VCF-style: chr12-33031975-A-G.
Other names: c.224-9T>C (NM_004572.4).
Identifiers: ClinVar variation 918599 (VCV000918599.10), dbSNP rs1238184418, ClinGen allele CA687414767.

ClinVar aggregate classification (germline): Likely benign. Review status: criteria provided, multiple submitters, no conflicts (2 of 4 stars). 3 submissions from 3 submitters: Likely benign (3). Last evaluated 2026-09-21.

Conditions:
PKP2-related disorder. Also called: PKP2-related condition.
Cardiomyopathy (CMYO). Also called: Cardiomyopathies. Identifiers: Orphanet 167848, MedGen C0878544, MONDO:0004994, HP:0001638. Inheritance: Various modes of inheritance.
Arrhythmogenic right ventricular dysplasia 9 (ARVD9). Also called: Arrhythmogenic Right Ventricular Dysplasia/Cardiomyopathy 9; ARRHYTHMOGENIC RIGHT VENTRICULAR DYSPLASIA, FAMILIAL, 9. Identifiers: MedGen C1836906, MONDO:0012180, OMIM 609040.

Allele frequency attached by ClinVar (database versions not stated): gnomAD exomes below 0.00001; gnomAD 0.00001; TOPMed 0.00004.
gnomAD v4.1: 3 of 1,365,366 alleles (0.00022%); highest among the groups gnomAD compares: Admixed American, 0.005%; no homozygotes.

Submissions (3):

PreventionGenetics, part of Exact Sciences
Classification: Likely benign for PKP2-related condition. Last evaluated: 2026-09-21. Review status: criteria provided, single submitter. Criteria: ACMG Guidelines, 2015. Collection method: clinical testing. Allele origin: germline.
Comment: This variant is classified as likely benign based on ACMG/AMP sequence variant interpretation guidelines (Richards et al. 2015 PMID: 25741868, with internal and published modifications).

Labcorp Genetics (formerly Invitae), Labcorp
Classification: Likely benign for Arrhythmogenic right ventricular dysplasia 9. Last evaluated: 2025-12-13. Review status: criteria provided, single submitter. Criteria: Invitae Variant Classification Sherloc (09022015). Collection method: clinical testing. Allele origin: germline.

Color Diagnostics, LLC DBA Color Health
Classification: Likely benign for Cardiomyopathy. Last evaluated: 2020-01-10. Review status: criteria provided, single submitter. Criteria: ACMG Guidelines, 2015. Collection method: clinical testing. Allele origin: germline.